The following is an entry in ClinVar:

NM_170707.4(LMNA):c.681G>A (p.Val227=)

Gene: LMNA (lamin A/C; plus strand). Cytogenetic location: 1q22.
Variant type: single nucleotide variant.
Coding change: c.681G>A on transcript NM_170707.4 (MANE Select); coding-DNA position 681, G replaced by A.
Protein change: p.Val227=; no amino-acid change (valine 227 retained).
Molecular consequence: synonymous variant.
Genome position (GRCh38, 1-based): chr1:156,134,846, G>A. VCF-style: chr1-156134846-G-A. GRCh37 (hg19) VCF-style: chr1-156104637-G-A.
Other names: c.345G>A, p.Val115= (NM_001257374.3); c.438G>A, p.Val146= (NM_001282624.2); c.681G>A, p.Val227= (NM_001282625.2, NM_001282626.2, NM_005572.4 and 1 more transcripts).
Identifiers: ClinVar variation 415346 (VCV000415346.10), dbSNP rs769896881, ClinGen allele CA054086.

ClinVar aggregate classification (germline): Likely benign. Review status: criteria provided, multiple submitters, no conflicts (2 of 4 stars). 2 submissions from 2 submitters: Likely benign (2). Last evaluated 2025-04-09.

Conditions:
Charcot-Marie-Tooth disease type 2. Also called: Charcot-Marie-Tooth type 2. Identifiers: Orphanet 64746, MedGen C0270914, MONDO:0018993.

Allele frequency attached by ClinVar (database versions not stated): gnomAD 0.00001; gnomAD exomes 0.00002 and below 0.00001; ExAC 0.00004; TOPMed below 0.00001.
gnomAD v4.1: 8 of 1,614,126 alleles (0.0005%); highest among the groups gnomAD compares: Non-Finnish European, 0.00068%; no homozygotes.

Submissions (2):

Molecular Diagnostic Laboratory for Inherited Cardiovascular Disease, Montreal Heart Institute
Classification: Likely benign. Last evaluated: 2025-04-09. Review status: criteria provided, single submitter. Criteria: ACMG Guidelines, 2015. Collection method: clinical testing. Allele origin: germline. Affected: no.
Comment: BP7

Labcorp Genetics (formerly Invitae), Labcorp
Classification: Likely benign for Charcot-Marie-Tooth disease type 2. Last evaluated: 2024-11-10. Review status: criteria provided, single submitter. Criteria: Invitae Variant Classification Sherloc (09022015). Collection method: clinical testing. Allele origin: germline.